The following is an entry in ClinVar:

ClinVar aggregate classification (germline): Pathogenic/Likely pathogenic. Review status: criteria provided, multiple submitters, no conflicts (2 of 4 stars). 8 submissions from 8 submitters: Pathogenic (7); Likely pathogenic (1). Last evaluated 2026-02-20.

Conditions:
Biotin-responsive basal ganglia disease (BTBGD). Also called: THIAMINE METABOLISM DYSFUNCTION SYNDROME 2 (BIOTIN- AND THIAMINE-RESPONSIVE TYPE); Thiamine metabolism dysfunction syndrome 2 (biotin- or thiamine-responsive encephalopathy type 2); thiamine-responsive encephalopathy; Thiamine Transporter-2 Deficiency; Thiamine metabolism dysfunction syndrome type 2. Identifiers: Orphanet 199348, Orphanet 65284, MedGen C1843807, MONDO:0011841, OMIM 607483.

Allele frequency attached by ClinVar (database versions not stated): gnomAD 0.00001 and 0.00002; ExAC 0.00002; gnomAD exomes 0.00002 and 0.00003; TOPMed 0.00002.

Submissions (8):

Myriad Genetics, Inc.
Classification: Pathogenic for Biotin-responsive basal ganglia disease. Last evaluated: 2026-02-20. Review status: criteria provided, single submitter. Criteria: Myriad Autosomal Dominant, Autosomal Recessive and X-Linked Classification Criteria (2023). Collection method: clinical testing. Allele origin: unknown.
Comment: NM_025243.3(SLC19A3):c.81_82dupGA(M28Rfs*2) is a frameshift variant classified as pathogenic in the context of biotin-thiamine-responsive basal ganglia disease. M28Rfs*2 has been observed in cases with relevant disease (PMID: 26938784, 31216405). Relevant functional assessments of this variant are not available in the literature. M28Rfs*2 has been observed in referenced population frequency databases. In summary, NM_025243.3(SLC19A3):c.81_82dupGA(M28Rfs*2) is a frameshift variant in a gene where loss of function is a known mechanism of disease, is predicted to disrupt protein function, and has been observed more frequently in cases with the relevant disease than in healthy populations. Please note: this variant was assessed in the context of healthy population screening.

Victorian Clinical Genetics Services, Murdoch Childrens Research Institute
Classification: Pathogenic for Biotin-responsive basal ganglia disease. Last evaluated: 2025-12-08. Review status: criteria provided, single submitter. Criteria: ACMG Guidelines, 2015. Collection method: clinical testing. Allele origin: germline. Affected: yes.
Comment: This variant is classified as Pathogenic. Evidence in support of pathogenic classification: Variant is predicted to result in a truncated protein with at least 1/3 of the protein sequence affected (premature termination codon is located within the first 102 nucleotides of the coding sequence and is predicted to escape nonsense-mediated decay); Variant is present in gnomAD <0.01 for a recessive condition (v4: 45 heterozygote(s), 0 homozygote(s)); This variant has strong previous evidence of pathogenicity in unrelated individuals. This variant has been classified as likely pathogenic/pathogenic by clinical laboratories in ClinVar; Other 5' NMD-escape variants comparable to the one identified in this case have strong previous evidence for pathogenicity. The p.(Tyr4*), p.(Ser7*), and p.(Trp12*) variants have been classified as likely pathogenic/pathogenic by clinical laboratories in ClinVar. Additional information: This variant is heterozygous; This gene is associated with autosomal recessive disease; Loss of function is a known mechanism of disease in this gene and is associated with thiamine metabolism dysfunction syndrome 2 (biotin/thiamine-responsive basal ganglia disease type, MIM#607483).

Variantyx, Inc.
Classification: Pathogenic for Biotin-responsive basal ganglia disease. Last evaluated: 2025-08-17. Review status: criteria provided, single submitter. Criteria: Variantyx Assertion Criteria 2022. Collection method: clinical testing. Allele origin: germline. Inheritance: Autosomal recessive inheritance. Affected: no.
Comment: This is a frameshift variant in the SLC19A3 gene (OMIM: 606152). Pathogenic variants in this gene have been associated with autosomal recessive biotin thiamine responsive basal ganglia disease. The alteration introduces a premature termination codon in exon 2 out of 6 and is expected to result in loss of function, which is a known disease mechanism for SLC19A3 in this disorder (PMID: 26938784, 23423671, 23482991) (PVS1). It has been identified in the homozygous or compound heterozygous state in at least three individuals reported in the published literature (PMID: 26938784, 28832562, 29453417, 27896110) (PM3_Strong), and iin the heterozygous state in at least one affected individual (PMID:31216405) This variant has a 0.0038% maximum allele frequency in non-founder control populations (PM2_Moderate). Based on the current evidence, this variant is classified as pathogenic for autosomal recessive biotin thiamine responsive basal ganglia disease.

Labcorp Genetics (formerly Invitae), Labcorp
Classification: Pathogenic for Biotin-responsive basal ganglia disease. Last evaluated: 2025-04-22. Review status: criteria provided, single submitter. Criteria: Invitae Variant Classification Sherloc (09022015). Collection method: clinical testing. Allele origin: germline.
Comment: This sequence change creates a premature translational stop signal (p.Met28Argfs*2) in the SLC19A3 gene. It is expected to result in an absent or disrupted protein product. Loss-of-function variants in SLC19A3 are known to be pathogenic (PMID: 23423671, 23482991). This variant is present in population databases (rs775835429, gnomAD 0.006%). This premature translational stop signal has been observed in individual(s) with thiamine metabolism dysfunction syndrome (PMID: 26938784, 27896110, 29453417). This variant is also known as c.82_83insGA. ClinVar contains an entry for this variant (Variation ID: 369672). For these reasons, this variant has been classified as Pathogenic.

Molecular Genetics, Royal Melbourne Hospital
Classification: Likely pathogenic for Biotin-responsive basal ganglia disease. Last evaluated: 2024-09-08. Review status: criteria provided, single submitter. Criteria: ACMG Guidelines, 2015. Collection method: clinical testing. Allele origin: germline. Inheritance: Autosomal recessive inheritance.
Comment: This sequence change in SLC19A3 is frameshift variant predicted to create a premature stop codon, p.(Met28Argfs*2), in exon 2 of 6. This premature termination codon falls within the first 50 amino acid residues of the gene, and the mRNA gene product may escape (resulting in a significantly truncated protein) or undergo nonsense-mediated decay, in a gene in which loss-of-function is an established disease mechanism (PMID: 24260777). The highest population minor allele frequency in the population database gnomAD v4.1 is 0.004% (45/1,179,348 alleles) in the European (non-Finnish) population, consistent with recessive disease. This variant has been detected as compound heterozygous in at least two unrelated individuals with biotin-thiamine responsive basal ganglia disease, with at least one pathogenic variant confirmed on the second allele (PMID: 26938784, 27896110). Based on the classification scheme RMH Modified ACMG/AMP Guidelines v1.7.0, this variant is classified as LIKELY PATHOGENIC. Following criteria are met: PVS1_Strong, PM2_Supporting, PM3_Strong.

Fulgent Genetics
Classification: Pathogenic for Biotin-responsive basal ganglia disease. Last evaluated: 2024-01-30. Review status: criteria provided, single submitter. Criteria: ACMG Guidelines, 2015. Collection method: clinical testing. Allele origin: germline.

GeneDx
Classification: Pathogenic. Last evaluated: 2022-03-21. Review status: criteria provided, single submitter. Criteria: GeneDx Variant Classification Process June 2021. Collection method: clinical testing. Allele origin: germline. Affected: yes.
Comment: Frameshift variant predicted to result in protein truncation or nonsense mediated decay in a gene for which loss-of-function is a known mechanism of disease; Not observed at significant frequency in large population cohorts (gnomAD); This variant is associated with the following publications: (PMID: 28696212, 23423671, 23482991, 29123435, 28832562, 26938784, 29453417, 31216405, 27896110)

Eurofins Ntd Llc (ga)
Classification: Pathogenic. Last evaluated: 2016-02-13. Review status: criteria provided, single submitter. Criteria: EGL Classification Definitions. Collection method: clinical testing. Allele origin: germline. Observed: 1 variant allele, 1 heterozygote.

Literature cited by the submitters: PubMed 26938784 (cited by 5 submitters); PubMed 31216405 (cited by Myriad Genetics, Inc.); PubMed 23423671 (cited by Variantyx, Inc. and Labcorp Genetics (formerly Invitae), Labcorp); PubMed 23482991 (cited by Variantyx, Inc. and Labcorp Genetics (formerly Invitae), Labcorp); PubMed 28832562 (cited by Variantyx, Inc.); PubMed 29453417 (cited by Variantyx, Inc. and Labcorp Genetics (formerly Invitae), Labcorp); PubMed 27896110 (cited by 3 submitters); PubMed 24260777 (cited by Molecular Genetics, Royal Melbourne Hospital).

NM_025243.4(SLC19A3):c.81_82dup (p.Met28fs)

Gene: SLC19A3 (solute carrier family 19 member 3; minus strand). Cytogenetic location: 2q36.3.
Variant type: Duplication.
Coding change: c.81_82dup on transcript NM_025243.4 (MANE Select); coding-DNA positions 81 to 82, 2 bases duplicated (GA; older notation c.81_82dupGA).
Protein change: p.Met28fs; shifts the reading frame from methionine 28.
Molecular consequence: frameshift variant.
Genome position (GRCh38, 1-based): chr2:227,702,237-227,702,238, TC duplicated on the plus strand (GA on the coding strand, the reverse complement: SLC19A3 is on the minus strand). VCF-style (leftmost placement, unchanged base first): chr2-227702236-A-ATC. GRCh37 (hg19) VCF-style: chr2-228566952-A-ATC.
Other names: c.81_82dupGA (NM_025243.4); short protein forms M28fs.
Identifiers: ClinVar variation 369672 (VCV000369672.24), dbSNP rs775835429, ClinGen allele CA2149413.